The following is an entry in ClinVar:

NM_001879.6(MASP1):c.1442-5C>G

Gene: MASP1 (MBL associated serine protease 1; minus strand). Cytogenetic location: 3q27.3.
Variant type: single nucleotide variant.
Coding change: c.1442-5C>G on transcript NM_001879.6 (MANE Plus Clinical); 5 bases into the intron before coding-DNA position 1442, C replaced by G.
Molecular consequence: intron variant.
Genome position (GRCh38, 1-based): chr3:187,226,525, G>C on the plus strand (C>G on the coding strand, the complement: MASP1 is on the minus strand). VCF-style: chr3-187226525-G-C. GRCh37 (hg19) VCF-style: chr3-186944313-G-C.
Identifiers: ClinVar variation 626136 (VCV000626136.39), dbSNP rs138989954, ClinGen allele CA2748908.
Genomic context (GRCh38, chr3:187,226,525, plus strand): 5'-TTCCGGATCGAGTGACTGGTGGAGGCAGTGTGCGGCGGTCACGATCCAGCTGGAGCCTGG[G>C]GAACAGAACACACGTCTCATCGTCCTGCACTACTGGGTCTTGCCTCCCTCTGTCTTGAGC-3'

ClinVar aggregate classification (germline): Conflicting classifications of pathogenicity. Review status: criteria provided, conflicting classifications (1 of 4 stars). 5 submissions from 5 submitters: Uncertain significance (1); Likely benign (2). 2 of the submissions do not count toward it. Last evaluated 2026-03-01.

Conditions:
3MC syndrome 1. Also called: MICHELS SYNDROME; CRANIOSYNOSTOSIS WITH LID ANOMALIES; OCULOPALATOSKELETAL SYNDROME. Identifiers: Orphanet 293843, MedGen C0796059, MONDO:0009770, OMIM 257920.

Allele frequency attached by ClinVar (database versions not stated): TOPMed 0.00203; 1000 Genomes Project 0.00180; ExAC 0.00364; gnomAD 0.00178 and 0.00193; gnomAD exomes 0.00250; ESP Exome Variant Server 0.00254; 1000 Genomes Project 30x 0.00187.
gnomAD v4.1: 5,292 of 1,597,330 alleles (0.33%); highest among the groups gnomAD compares: Middle Eastern, 0.5%; 21 homozygotes.

Submissions (8):

CeGaT Center for Human Genetics Tuebingen
Classification: Likely benign. Last evaluated: 2026-03-01. Review status: criteria provided, single submitter. Criteria: CeGaT Center For Human Genetics Tuebingen Variant Classification Criteria Version 2. Collection method: clinical testing. Allele origin: germline. Affected: yes. Observed: 17 variant alleles.
Comment: MASP1: BP4, BS2

ARUP Laboratories, Molecular Genetics and Genomics, ARUP Laboratories
Classification: Likely benign for 3MC syndrome 1. Last evaluated: 2021-08-24. Review status: criteria provided, single submitter. Criteria: ARUP Molecular Germline Variant Investigation Process 2021. Collection method: clinical testing. Allele origin: germline.

Center for Genomics, Ann and Robert H. Lurie Children's Hospital of Chicago
Classification: Uncertain significance for 3MC syndrome 1. Last evaluated: 2021-03-30. Review status: criteria provided, single submitter. Criteria: ACMG Guidelines, 2015. Collection method: clinical testing. Allele origin: germline.
Comment: MASP1:NM_001879:exon12:c.1442-5C>G: This variant has not been reported in the literature, but is present in 16/28016 South Asian chromosomes, including 1 homozygote in the Genome Aggregation Database. This variant is an intronic variant with no predicted change in the amino acid sequence but may have an unknown effect on splicing. Further studies are needed to understand its impact. In summary, data on this variant is insufficient for disease classification. Therefore, the clinical significance of this variant is uncertain.

Clinical Genetics DNA and cytogenetics Diagnostics Lab, Erasmus MC, Erasmus Medical Center
Classification: Likely benign. Review status: no assertion criteria provided. Collection method: clinical testing. Allele origin: germline. Affected: yes. Study: VKGL Data-share Consensus. Not counted in ClinVar's aggregate classification.

Dr. Peter K. Rogan Lab, Western University
No classification provided (evidence only). Condition: Ovarian serous cystadenocarcinoma. Review status: no classification provided. Collection method: in vitro. Allele origin: not applicable. Functional consequence: retained intron. Not counted in ClinVar's aggregate classification.

Dr. Peter K. Rogan Lab, Western University
No classification provided (evidence only). Condition: Gastric cancer. Review status: no classification provided. Collection method: in vitro. Allele origin: not applicable. Functional consequence: retained intron. Not counted in ClinVar's aggregate classification.

Dr. Peter K. Rogan Lab, Western University
No classification provided (evidence only). Condition: Ovarian cancer. Review status: no classification provided. Collection method: in vitro. Allele origin: not applicable. Functional consequence: retained intron. Not counted in ClinVar's aggregate classification.

Laboratory of Diagnostic Genome Analysis, Leiden University Medical Center (LUMC)
Classification: Likely benign. Review status: no assertion criteria provided. Collection method: clinical testing. Allele origin: germline. Affected: yes. Study: VKGL Data-share Consensus. Not counted in ClinVar's aggregate classification.